The following is an entry in ClinVar:

NM_001012339.3(DNAJC21):c.348A>G (p.Glu116=)

Gene: DNAJC21 (DnaJ heat shock protein family (Hsp40) member C21; plus strand). Cytogenetic location: 5p13.2.
Variant type: single nucleotide variant.
Coding change: c.348A>G on transcript NM_001012339.3 (MANE Select); coding-DNA position 348, A replaced by G.
Protein change: p.Glu116=; no amino-acid change (glutamic acid 116 retained).
Molecular consequence: synonymous variant.
Genome position (GRCh38, 1-based): chr5:34,936,176, A>G. VCF-style: chr5-34936176-A-G. GRCh37 (hg19) VCF-style: chr5-34936281-A-G.
Other names: c.348A>G, p.Glu116= (NM_001348420.2, NM_194283.4); c.348A>G (NM_001012339.2).
Identifiers: ClinVar variation 2986127 (VCV002986127.4), dbSNP rs1320177818, ClinGen allele CA443884850.

ClinVar aggregate classification (germline): Likely benign. Review status: criteria provided, multiple submitters, no conflicts (2 of 4 stars). 2 submissions from 2 submitters: Likely benign (2). Last evaluated 2025-11-30.

Conditions:
DNAJC21-related disorder. Also called: DNAJC21-related condition.

Allele frequency attached by ClinVar (database versions not stated): gnomAD exomes below 0.00001; TOPMed below 0.00001.
gnomAD v4.1: 1 of 1,613,994 alleles (0.000062%); highest among the groups gnomAD compares: Non-Finnish European, 0.000085%; no homozygotes.

Submissions (2):

PreventionGenetics, part of Exact Sciences
Classification: Likely benign for DNAJC21-related condition. Last evaluated: 2025-11-30. Review status: criteria provided, single submitter. Criteria: ACMG Guidelines, 2015. Collection method: clinical testing. Allele origin: germline.
Comment: This variant is classified as likely benign based on ACMG/AMP sequence variant interpretation guidelines (Richards et al. 2015 PMID: 25741868, with internal and published modifications).

Labcorp Genetics (formerly Invitae), Labcorp
Classification: Likely benign. Last evaluated: 2023-08-02. Review status: criteria provided, single submitter. Criteria: Invitae Variant Classification Sherloc (09022015). Collection method: clinical testing. Allele origin: germline.